The following is an entry in ClinVar:

ClinVar aggregate classification (germline): Uncertain significance (1 of 4 stars; one submission).

Conditions:
Baraitser-Winter syndrome 1 (BRWS1). Also called: BARAITSER-WINTER SYNDROME 1, ATYPICAL; PACHYGYRIA, MENTAL RETARDATION, EPILEPSY, AND CHARACTERISTIC FACIES; MENTAL RETARDATION WITH EPILEPSY AND CHARACTERISTIC FACIES; Cerebrofrontofacial syndrome. Identifiers: Orphanet 2649, Orphanet 2995, MedGen C1855722, MONDO:0009470, OMIM 243310.

Submission:

Labcorp Genetics (formerly Invitae), Labcorp
Classification: Uncertain significance for Baraitser-Winter syndrome 1. Last evaluated: 2022-06-13. Review status: criteria provided, single submitter. Criteria: Invitae Variant Classification Sherloc (09022015). Collection method: clinical testing. Allele origin: germline.
Comment: Algorithms developed to predict the effect of missense changes on protein structure and function are either unavailable or do not agree on the potential impact of this missense change (SIFT: "Deleterious"; PolyPhen-2: "Benign"; Align-GVGD: "Class C25"). This sequence change replaces aspartic acid, which is acidic and polar, with alanine, which is neutral and non-polar, at codon 184 of the ACTB protein (p.Asp184Ala). This variant is not present in population databases (gnomAD no frequency). This variant has not been reported in the literature in individuals affected with ACTB-related conditions. In summary, the available evidence is currently insufficient to determine the role of this variant in disease. Therefore, it has been classified as a Variant of Uncertain Significance.

NM_001101.5(ACTB):c.551A>C (p.Asp184Ala)

Gene: ACTB (actin beta; minus strand). Cytogenetic location: 7p22.1.
Variant type: single nucleotide variant.
Coding change: c.551A>C on transcript NM_001101.5 (MANE Select); coding-DNA position 551, A replaced by C.
Protein change: p.Asp184Ala; replaces aspartic acid 184 with alanine.
Molecular consequence: missense variant.
Genome position (GRCh38, 1-based): chr7:5,528,532, T>G on the plus strand (A>C on the coding strand, the complement: ACTB is on the minus strand). VCF-style: chr7-5528532-T-G. GRCh37 (hg19) VCF-style: chr7-5568163-T-G.
Other names: short protein forms D184A.
Identifiers: ClinVar variation 1390051 (VCV001390051.6), dbSNP rs2128241278, ClinGen allele CA366702917.